The following is an entry in ClinVar:

NM_019098.5(CNGB3):c.446_447insT (p.Lys149fs)

Gene: CNGB3 (cyclic nucleotide gated channel subunit beta 3; minus strand). Cytogenetic location: 8q21.3.
Variant type: Insertion.
Coding change: c.446_447insT on transcript NM_019098.5 (MANE Select); coding-DNA positions 446 to 447, T inserted.
Protein change: p.Lys149fs; shifts the reading frame from lysine 149.
Molecular consequence: frameshift variant.
Genome position: GRCh38 VCF-style: chr8-86670990-C-CA. GRCh37 (hg19) VCF-style: chr8-87683218-C-CA.
Other names: short protein forms K149fs.
Identifiers: ClinVar variation 370100 (VCV000370100.15), dbSNP rs748993388, ClinGen allele CA4800398.

ClinVar aggregate classification (germline): Pathogenic/Likely pathogenic. Review status: criteria provided, multiple submitters, no conflicts (2 of 4 stars). 5 submissions from 5 submitters: Pathogenic (3); Likely pathogenic (1). 1 of the submissions does not count toward it. Last evaluated 2025-10-21.

Conditions:
Achromatopsia 3 (ACHM3). Also called: ACHROMATOPSIA WITH MYOPIA; PINGELAPESE BLINDNESS; TOTAL COLORBLINDNESS WITH MYOPIA; ROD MONOCHROMACY 1; ROD MONOCHROMATISM 1. Identifiers: Orphanet 49382, MedGen C1849792, MONDO:0009875, OMIM 262300.
CNGB3-related disorder. Also called: CNGB3-related disorders; CNGB3-related condition. Identifiers: MedGen CN239340.

Allele frequency attached by ClinVar (database versions not stated): gnomAD exomes below 0.00001; ExAC 0.00001; TOPMed 0.00001.

Submissions (5):

Labcorp Genetics (formerly Invitae), Labcorp
Classification: Pathogenic. Last evaluated: 2025-10-21. Review status: criteria provided, single submitter. Criteria: Invitae Variant Classification Sherloc (09022015). Collection method: clinical testing. Allele origin: germline.
Comment: This sequence change creates a premature translational stop signal (p.Lys149Asnfs*30) in the CNGB3 gene. It is expected to result in an absent or disrupted protein product. Loss-of-function variants in CNGB3 are known to be pathogenic (PMID: 28795510). This variant is present in population databases (rs748993388, gnomAD 0.003%). This premature translational stop signal has been observed in individual(s) with achromatopsia (PMID: 12357335). This variant is also known as c.492_493insT. ClinVar contains an entry for this variant (Variation ID: 370100). For these reasons, this variant has been classified as Pathogenic.

Dasa
Classification: Pathogenic. Last evaluated: 2025-06-13. Review status: criteria provided, single submitter. Criteria: DASA Assertion Criteria. Collection method: clinical testing. Allele origin: germline.
Comment: NM_019098.5(CNGB3):c.446_447insT (p.Lys149Asnfs*30) introduces a premature termination codon predicted to result in loss of normal protein function. Loss-of-function is an established mechanism of disease for this gene. This variant has been reported in individuals with related phenotype (PMID: 12357335). The variant is present at low frequency in population datasets. Based on the available data, this variant is classified as pathogenic.

Blueprint Genetics
Classification: Likely pathogenic for CNGB3-related disorders. Last evaluated: 2023-06-26. Review status: criteria provided, single submitter. Criteria: ACMG Guidelines, 2015. Collection method: clinical testing. Allele origin: germline. Affected: yes. Observed: 2 variant alleles.

3billion
Classification: Pathogenic for Achromatopsia 3. Last evaluated: 2022-05-22. Review status: criteria provided, single submitter. Criteria: ACMG Guidelines, 2015. Collection method: clinical testing. Allele origin: germline. Affected: yes. Observed: 1 heterozygote.
Comment: The variant is observed at an extremely low frequency in the gnomAD v2.1.1 dataset (total allele frequency: <0.001%). Frameshift: predicted to result in a loss or disruption of normal protein function through nonsense-mediated decay (NMD) or protein truncation. Multiple pathogenic variants are reported downstream of the variant. The variant has been reported at least twice as pathogenic without evidence for the classification (ClinVar ID: VCV000370100). Therefore, this variant is classified as pathogenic according to the recommendation of ACMG/AMP guideline.

Counsyl
Classification: Likely pathogenic for Achromatopsia 3. Last evaluated: 2015-11-20. Review status: no assertion criteria provided. Collection method: clinical testing. Allele origin: unknown. Not counted in ClinVar's aggregate classification.

Literature cited by the submitters: PubMed 28795510 (cited by Labcorp Genetics (formerly Invitae), Labcorp); PubMed 12357335 (cited by 3 submitters).